The following is an entry in ClinVar:

NM_000384.3(APOB):c.12402C>T (p.Ala4134=)

Gene: APOB (apolipoprotein B; minus strand). Cytogenetic location: 2p24.1.
Variant type: single nucleotide variant.
Coding change: c.12402C>T on transcript NM_000384.3 (MANE Select); coding-DNA position 12402, C replaced by T.
Protein change: p.Ala4134=; no amino-acid change (alanine 4134 retained).
Molecular consequence: synonymous variant.
Genome position (GRCh38, 1-based): chr2:21,003,020, G>A on the plus strand (C>T on the coding strand, the complement: APOB is on the minus strand). VCF-style: chr2-21003020-G-A. GRCh37 (hg19) VCF-style: chr2-21225892-G-A.
Identifiers: ClinVar variation 3231372 (VCV003231372.2), dbSNP rs2465350583, ClinGen allele CA425342488.

ClinVar aggregate classification (germline): Conflicting classifications of pathogenicity. Review status: criteria provided, conflicting classifications (1 of 4 stars). 2 submissions from 2 submitters: Uncertain significance (1); Likely benign (1). Last evaluated 2026-08-01.

Conditions:
Cardiovascular phenotype. Identifiers: MedGen CN230736.

Allele frequency attached by ClinVar (database versions not stated): gnomAD exomes below 0.00001.

Submissions (2):

CeGaT Center for Human Genetics Tuebingen
Classification: Uncertain significance. Last evaluated: 2026-08-01. Review status: criteria provided, single submitter. Criteria: CeGaT Center For Human Genetics Tuebingen Variant Classification Criteria Version 2. Collection method: clinical testing. Allele origin: germline. Affected: yes. Observed: 1 variant allele.
Comment: APOB: PM2:Supporting, BP4

Ambry Genetics
Classification: Likely benign for Cardiovascular phenotype. Last evaluated: 2024-02-12. Review status: criteria provided, single submitter. Criteria: Ambry Variant Classification Scheme 2023. Collection method: clinical testing. Allele origin: germline.